The following is an entry in ClinVar:

NM_020166.5(MCCC1):c.274-626G>T

Gene: MCCC1 (methylcrotonyl-CoA carboxylase subunit 1; minus strand). Cytogenetic location: 3q27.1.
Variant type: single nucleotide variant.
Coding change: c.274-626G>T on transcript NM_020166.5 (MANE Select); 626 bases into the intron before coding-DNA position 274, G replaced by T.
Molecular consequence: intron variant.
Genome position (GRCh38, 1-based): chr3:183,087,414, C>A on the plus strand (G>T on the coding strand, the complement: MCCC1 is on the minus strand). VCF-style: chr3-183087414-C-A. GRCh37 (hg19) VCF-style: chr3-182805202-C-A.
Other names: c.-54-626G>T (NM_001363880.1); c.45-626G>T (NM_001293273.2).
Identifiers: ClinVar variation 4995793 (VCV004995793.1).

ClinVar aggregate classification (germline): Uncertain significance (1 of 4 stars; one submission).

Conditions:
MCCC1-related disorder. Also called: MCCC1-related condition.

gnomAD v4.1: 3 of 152,136 alleles (0.002%); highest among the groups gnomAD compares: African/African-American, 0.0072%; no homozygotes.

Submission:

PreventionGenetics, part of Exact Sciences
Classification: Uncertain significance for MCCC1-related condition. Last evaluated: 2025-09-30. Review status: criteria provided, single submitter. Criteria: ACMG Guidelines, 2015. Collection method: clinical testing. Allele origin: germline.
Comment: The MCCC1 c.274-626G>T variant is predicted to interfere with splicing. This variant is predicted to activate a cryptic acceptor site within the intron and may alter splicing based on available splicing prediction programs (SpliceAI, Jaganathan et al. 2019. PubMed ID: 30661751). However, the use of computer prediction programs is not equivalent to functional evidence. To our knowledge, this variant has not been reported in the literature or in a large population database (gnomAD), indicating this variant is rare. At this time, the clinical significance of this variant is uncertain due to the absence of conclusive functional and genetic evidence.